The following is an entry in ClinVar:

NM_018060.4(IARS2):c.2702A>G (p.Tyr901Cys)

Gene: IARS2 (isoleucyl-tRNA synthetase 2, mitochondrial; plus strand). Cytogenetic location: 1q41.
Variant type: single nucleotide variant.
Coding change: c.2702A>G on transcript NM_018060.4 (MANE Select); coding-DNA position 2702, A replaced by G.
Protein change: p.Tyr901Cys; replaces tyrosine 901 with cysteine.
Molecular consequence: missense variant.
Genome position (GRCh38, 1-based): chr1:220,143,085, A>G. VCF-style: chr1-220143085-A-G. GRCh37 (hg19) VCF-style: chr1-220316427-A-G.
Other names: c.2702A>G (NM_018060.3); short protein forms Y901C.
Identifiers: ClinVar variation 806362 (VCV000806362.44), dbSNP rs1571865543, ClinGen allele CA344617785.

ClinVar aggregate classification (germline): Uncertain significance. Review status: criteria provided, multiple submitters, no conflicts (2 of 4 stars). 3 submissions from 3 submitters: Uncertain significance (3). Last evaluated 2025-06-29.

Conditions:
Inborn genetic diseases. Identifiers: MedGen C0950123, MeSH D030342.

Allele frequency attached by ClinVar (database versions not stated): gnomAD 0.00001; gnomAD exomes 0.00001; TOPMed 0.00001.
gnomAD v4.1: 9 of 1,614,046 alleles (0.00056%); no homozygotes.

Submissions (3):

Ambry Genetics
Classification: Uncertain significance for Inborn genetic diseases. Last evaluated: 2025-06-29. Review status: criteria provided, single submitter. Criteria: Ambry Variant Classification Scheme 2023. Collection method: clinical testing. Allele origin: germline.

Labcorp Genetics (formerly Invitae), Labcorp
Classification: Uncertain significance. Last evaluated: 2022-05-14. Review status: criteria provided, single submitter. Criteria: Invitae Variant Classification Sherloc (09022015). Collection method: clinical testing. Allele origin: germline.
Comment: This sequence change replaces tyrosine, which is neutral and polar, with cysteine, which is neutral and slightly polar, at codon 901 of the IARS2 protein (p.Tyr901Cys). This variant is not present in population databases (gnomAD no frequency). This variant has not been reported in the literature in individuals affected with IARS2-related conditions. ClinVar contains an entry for this variant (Variation ID: 806362). Algorithms developed to predict the effect of missense changes on protein structure and function are either unavailable or do not agree on the potential impact of this missense change (SIFT: "Tolerated"; PolyPhen-2: "Probably Damaging"; Align-GVGD: "Class C0"). In summary, the available evidence is currently insufficient to determine the role of this variant in disease. Therefore, it has been classified as a Variant of Uncertain Significance.

CeGaT Center for Human Genetics Tuebingen
Classification: Uncertain significance. Last evaluated: 2019-04-01. Review status: criteria provided, single submitter. Criteria: CeGaT Center For Human Genetics Tuebingen Variant Classification Criteria Version 2. Collection method: clinical testing. Allele origin: germline. Affected: yes. Observed: 1 variant allele.